The following is an entry in ClinVar:

ClinVar aggregate classification (germline): Likely benign (0 of 4 stars; one submission).

Conditions:
SH2B1-related disorder. Also called: SH2B1-related condition.

Allele frequency attached by ClinVar (database versions not stated): gnomAD 0.00001; gnomAD exomes 0.00001; TOPMed 0.00001.

Submission:

PreventionGenetics, part of Exact Sciences
Classification: Likely benign for SH2B1-related condition. Last evaluated: 2020-12-04. Review status: no assertion criteria provided. Collection method: clinical testing. Allele origin: germline.
Comment: This variant is classified as likely benign based on ACMG/AMP sequence variant interpretation guidelines (Richards et al. 2015 PMID: 25741868, with internal and published modifications).

NM_001387430.1(SH2B1):c.1761C>T (p.Cys587=)

Gene: SH2B1 (SH2B adaptor protein 1; plus strand). Cytogenetic location: 16p11.2.
Variant type: single nucleotide variant.
Coding change: c.1761C>T on transcript NM_001387430.1 (MANE Select); coding-DNA position 1761, C replaced by T.
Protein change: p.Cys587=; no amino-acid change (cysteine 587 retained).
Molecular consequence: synonymous variant.
Genome position (GRCh38, 1-based): chr16:28,872,569, C>T. VCF-style: chr16-28872569-C-T. GRCh37 (hg19) VCF-style: chr16-28883890-C-T.
Other names: c.1761C>T, p.Cys587= (NM_001145795.2, NM_001145796.2, NM_001145797.2 and 4 more transcripts); c.753C>T, p.Cys251= (NM_001308294.2).
Identifiers: ClinVar variation 3049730 (VCV003049730.2), dbSNP rs1041599035, ClinGen allele CA279222954.